The following is an entry in ClinVar:

NM_001040142.2(SCN2A):c.5791A>G (p.Ile1931Val)

Gene: SCN2A (sodium voltage-gated channel alpha subunit 2; plus strand). Cytogenetic location: 2q24.3.
Variant type: single nucleotide variant.
Coding change: c.5791A>G on transcript NM_001040142.2 (MANE Select); coding-DNA position 5791, A replaced by G.
Protein change: p.Ile1931Val; replaces isoleucine 1931 with valine.
Molecular consequence: missense variant.
Genome position (GRCh38, 1-based): chr2:165,389,597, A>G. VCF-style: chr2-165389597-A-G. GRCh37 (hg19) VCF-style: chr2-166246107-A-G.
Other names: c.5791A>G, p.Ile1931Val (NM_001040143.2, NM_001371246.1, NM_001371247.1 and 1 more transcripts); short protein forms I1931V.
Identifiers: ClinVar variation 857750 (VCV000857750.12), dbSNP rs758820824, ClinGen allele CA1940427.

ClinVar aggregate classification (germline): Uncertain significance. Review status: criteria provided, multiple submitters, no conflicts (2 of 4 stars). 3 submissions from 3 submitters: Uncertain significance (2). 1 of the submissions does not count toward it. Last evaluated 2026-02-12.

Conditions:
Seizures, benign familial infantile, 3 (BFIS3). Also called: CONVULSIONS, BENIGN FAMILIAL INFANTILE, 3; Familial neonatal seizures. Identifiers: Orphanet 140927, Orphanet 306, MedGen C1843140, MONDO:0011904, OMIM 607745.
Developmental and epileptic encephalopathy, 11 (DEE11). Also called: Early infantile epileptic encephalopathy 11. Identifiers: Orphanet 1934, MedGen C3150987, MONDO:0013388, OMIM 613721.
SCN2A-related disorder. Also called: SCN2A-related condition; SCN2A-related disorders. Identifiers: MedGen CN382226, MONDO:1060245.

Allele frequency attached by ClinVar (database versions not stated): gnomAD exomes below 0.00001 and 0.00001; ExAC 0.00001; gnomAD 0.00001; TOPMed 0.00003.
gnomAD v4.1: 12 of 1,613,882 alleles (0.00074%); highest among the groups gnomAD compares: African/African-American, 0.004%; no homozygotes.

Submissions (3):

GeneDx
Classification: Uncertain significance. Last evaluated: 2026-02-12. Review status: criteria provided, single submitter. Criteria: GeneDx Variant Classification Process June 2021. Collection method: clinical testing. Allele origin: germline. Affected: yes.
Comment: Not observed at significant frequency in large population cohorts (gnomAD); In silico analysis supports that this missense variant does not alter protein structure/function; Has not been previously published as pathogenic or benign to our knowledge; This substitution is predicted to be within the C-terminal cytoplasmic domain

Labcorp Genetics (formerly Invitae), Labcorp
Classification: Uncertain significance for Seizures, benign familial infantile, 3; Developmental and epileptic encephalopathy, 11. Last evaluated: 2024-02-16. Review status: criteria provided, single submitter. Criteria: Invitae Variant Classification Sherloc (09022015). Collection method: clinical testing. Allele origin: germline.
Comment: This sequence change replaces isoleucine, which is neutral and non-polar, with valine, which is neutral and non-polar, at codon 1931 of the SCN2A protein (p.Ile1931Val). This variant is present in population databases (rs758820824, gnomAD 0.007%). This variant has not been reported in the literature in individuals affected with SCN2A-related conditions. ClinVar contains an entry for this variant (Variation ID: 857750). Advanced modeling of protein sequence and biophysical properties (such as structural, functional, and spatial information, amino acid conservation, physicochemical variation, residue mobility, and thermodynamic stability) performed at Invitae indicates that this missense variant is not expected to disrupt SCN2A protein function with a negative predictive value of 95%. In summary, the available evidence is currently insufficient to determine the role of this variant in disease. Therefore, it has been classified as a Variant of Uncertain Significance.

PreventionGenetics, part of Exact Sciences
Classification: Uncertain significance for SCN2A-related condition. Last evaluated: 2024-03-12. Review status: no assertion criteria provided. Collection method: clinical testing. Allele origin: germline. Not counted in ClinVar's aggregate classification.
Comment: The SCN2A c.5791A>G variant is predicted to result in the amino acid substitution p.Ile1931Val. To our knowledge, this variant has not been reported in the literature. This variant is reported in 0.0062% of alleles in individuals of African descent in gnomAD. At this time, the clinical significance of this variant is uncertain due to the absence of conclusive functional and genetic evidence.